The following is an entry in ClinVar:

NM_030787.4(CFHR5):c.485_486dup (p.Glu163fs)

Gene: CFHR5 (complement factor H related 5; plus strand). Cytogenetic location: 1q31.3.
Variant type: Duplication.
Coding change: c.485_486dup on transcript NM_030787.4 (MANE Select); coding-DNA positions 485 to 486, 2 bases duplicated (AA; older notation c.485_486dupAA).
Protein change: p.Glu163fs; shifts the reading frame from glutamic acid 163.
Molecular consequence: frameshift variant.
Genome position (GRCh38, 1-based): chr1:196,994,134-196,994,135, AA duplicated; duplicating any 2 consecutive bases within chr1:196,994,129-196,994,135 gives the same sequence; the c. name uses the placement nearest the transcript's 3' end. VCF-style (leftmost placement, unchanged base first): chr1-196994128-C-CAA. GRCh37 (hg19) VCF-style: chr1-196963258-C-CAA.
Other names: p.Glu163Lysfs*10; c.485_486dupAA (NM_030787.4, NM_030787.3); short protein forms E163fs.
Identifiers: ClinVar variation 294541 (VCV000294541.55), dbSNP rs565457964, ClinGen allele CA1307760.

ClinVar aggregate classification (germline): Conflicting classifications of pathogenicity. Review status: criteria provided, conflicting classifications (1 of 4 stars). 13 submissions from 13 submitters: Likely pathogenic (1); Uncertain significance (2); Benign (4); Likely benign (3). 3 of the submissions do not count toward it. Last evaluated 2026-04-01.

Conditions:
Kidney disorder. Also called: Nephropathy; Kidney disease; Kidney Diseases; renal disease; renal disorder. Identifiers: MedGen C0022658, MONDO:0005240, HP:0000112.
Primary ciliary dyskinesia. Also called: Ciliary dyskinesia. Identifiers: Orphanet 244, MedGen C0008780, MONDO:0016575, HP:0012265.
CFHR5 deficiency. Identifiers: MedGen C3553720.

Submissions (13):

Department of Human Genetics, Hannover Medical School
Classification: Likely pathogenic for Primary Ciliary Dyskinesia. Last evaluated: 2026-04-01. Review status: criteria provided, single submitter. Criteria: ACMG Guidelines, 2015. Collection method: research. Allele origin: germline. Affected: no.
Comment: Classification performed by HerediClassify using the following criteria:['PVS1_protein_very_strong: Transcript ENST00000256785 is predicted to undergo NMD.']

Women's Health and Genetics/Laboratory Corporation of America, LabCorp
Classification: Benign. Last evaluated: 2026-02-06. Review status: criteria provided, single submitter. Criteria: LabCorp Variant Classification Summary - May 2015. Collection method: clinical testing. Allele origin: germline.
Comment: Variant summary: CFHR5 c.485_486dupAA (p.Glu163LysfsX10) results in a premature termination codon, predicted to cause a truncation of the encoded protein or absence of the protein due to nonsense mediated decay, however current evidence is not sufficient to establish loss of function as a mechanism for disease. The variant allele was found at a frequency of 0.0068 in 281764 control chromosomes, predominantly at a frequency of 0.041 within the Non-Finnish European subpopulation in the gnomAD database, including 20 homozygotes. The observed variant frequency within Non-Finnish European control individuals in the gnomAD database exceeds the estimated maximal expected allele frequency for disease-causing variants in CFHR5. To our knowledge, no occurrence of c.485_486dupAA in individuals affected with CFHR5-related conditions and no experimental evidence demonstrating its impact on protein function have been reported. ClinVar contains an entry for this variant (Variation ID: 294541). Based on the evidence outlined above, the variant was classified as benign.

Labcorp Genetics (formerly Invitae), Labcorp
Classification: Benign. Last evaluated: 2026-01-19. Review status: criteria provided, single submitter. Criteria: Invitae Variant Classification Sherloc (09022015). Collection method: clinical testing. Allele origin: germline.

Mayo Clinic Laboratories, Mayo Clinic
Classification: Likely benign. Last evaluated: 2025-04-29. Review status: criteria provided, single submitter. Criteria: ACMG Guidelines, 2015. Collection method: clinical testing. Allele origin: germline. Observed: 21 variant alleles.

Center for Genomic Medicine, Rigshospitalet, Copenhagen University Hospital
Classification: Likely benign. Last evaluated: 2025-03-04. Review status: criteria provided, single submitter. Criteria: ACMG Guidelines, 2015. Collection method: clinical testing. Allele origin: germline.

Blueprint Genetics
Classification: Benign. Last evaluated: 2024-11-26. Review status: criteria provided, single submitter. Criteria: ACMG Guidelines, 2015. Collection method: clinical testing. Allele origin: germline.

CeGaT Center for Human Genetics Tuebingen
Classification: Benign. Last evaluated: 2024-02-01. Review status: criteria provided, single submitter. Criteria: CeGaT Center For Human Genetics Tuebingen Variant Classification Criteria Version 2. Collection method: clinical testing. Allele origin: germline. Affected: yes. Observed: 1 variant allele.
Comment: CFHR5: BS1, BS2

Centre for Mendelian Genomics, University Medical Centre Ljubljana
Classification: Uncertain significance for C3 glomerulonephritis. Last evaluated: 2019-05-08. Review status: criteria provided, single submitter. Criteria: ACMG Guidelines, 2015. Collection method: clinical testing. Allele origin: unknown. Affected: yes.
Comment: This variant was classified as: Uncertain significance. The available evidence on this variant's pathogenicity is insufficient or conflicting. The following ACMG criteria were applied in classifying this variant: PM2,PP3,PP5,BS1.

Institute of Human Genetics, University of Leipzig Medical Center
Classification: Uncertain significance for C3 glomerulonephritis. Last evaluated: 2017-08-11. Review status: criteria provided, single submitter. Criteria: ACMG Guidelines, 2015. Collection method: clinical testing. Allele origin: germline. Affected: yes. Observed: 1 variant allele.

Genome Diagnostics Laboratory, The Hospital for Sick Children
Classification: Likely benign for Kidney disorder. Last evaluated: 2017-01-16. Review status: criteria provided, single submitter. Criteria: ACMG Guidelines, 2015. Collection method: clinical testing. Allele origin: germline.

Clinical Genetics DNA and cytogenetics Diagnostics Lab, Erasmus MC, Erasmus Medical Center
Classification: Uncertain significance. Review status: no assertion criteria provided. Collection method: clinical testing. Allele origin: germline. Affected: yes. Study: VKGL Data-share Consensus. Not counted in ClinVar's aggregate classification.

Diagnostic Laboratory, Department of Genetics, University Medical Center Groningen
Classification: Uncertain significance. Review status: no assertion criteria provided. Collection method: clinical testing. Allele origin: germline. Affected: yes. Study: VKGL Data-share Consensus. Not counted in ClinVar's aggregate classification.

Genome Diagnostics Laboratory, Amsterdam University Medical Center
Classification: Uncertain significance. Review status: no assertion criteria provided. Collection method: clinical testing. Allele origin: germline. Affected: yes. Study: VKGL Data-share Consensus. Not counted in ClinVar's aggregate classification.

Literature cited by the submitters: PubMed 30238151 (cited by Mayo Clinic Laboratories, Mayo Clinic); PubMed 33609329 (cited by Mayo Clinic Laboratories, Mayo Clinic); PubMed 34456924 (cited by Mayo Clinic Laboratories, Mayo Clinic); PubMed 35355886 (cited by Mayo Clinic Laboratories, Mayo Clinic).